The following is an entry in ClinVar:

NM_000059.4(BRCA2):c.8988_8990delinsTT (p.Leu2996fs)

Gene: BRCA2 (BRCA2 DNA repair associated; plus strand). Cytogenetic location: 13q13.1.
Variant type: Indel.
Coding change: c.8988_8990delinsTT on transcript NM_000059.4 (MANE Select); coding-DNA positions 8988 to 8990, ATA replaced by TT.
Protein change: p.Leu2996fs; shifts the reading frame from leucine 2996.
Molecular consequence: frameshift variant.
Genome position (GRCh38, 1-based): chr13:32,379,784-32,379,786, ATA replaced by TT. VCF-style: chr13-32379784-ATA-TT. GRCh37 (hg19) VCF-style: chr13-32953921-ATA-TT.
Other names: c.8988_8990delATAinsTT (NM_000059.3); short protein forms L2996fs.
Identifiers: ClinVar variation 52721 (VCV000052721.10), dbSNP rs397508027, ClinGen allele CA025914.

ClinVar aggregate classification (germline): Pathogenic. Review status: reviewed by expert panel (3 of 4 stars). 5 submissions from 5 submitters: Pathogenic (1). 4 of the submissions do not count toward it. Last evaluated 2016-09-08.

Conditions:
Hereditary breast ovarian cancer syndrome. Also called: Hereditary breast and ovarian cancer syndrome; Hereditary breast and ovarian cancer; Hereditary breast and ovarian cancer syndrome (HBOC); Breast and ovarian cancer; Hereditary breast and/or ovarian cancer syndrome; BRCA1- and BRCA2-Associated Hereditary Breast and Ovarian Cancer. Identifiers: Orphanet 145, MedGen C0677776, MeSH D061325, MONDO:0003582. Disease mechanism: loss of function.
Hereditary cancer-predisposing syndrome. Also called: Neoplastic Syndromes, Hereditary; Tumor predisposition; Hereditary neoplastic syndrome; Hereditary Cancer Syndrome. Identifiers: Orphanet 140162, MedGen C0027672, MeSH D009386, MONDO:0015356.
Breast-ovarian cancer, familial, susceptibility to, 2 (BROVCA2). Also called: BRCA2 Hereditary Breast and Ovarian Cancer. Identifiers: Orphanet 145, MedGen C2675520, MONDO:0012933, OMIM 612555. Disease mechanism: loss of function.

Submissions (5):

Evidence-based Network for the Interpretation of Germline Mutant Alleles (ENIGMA)
Classification: Pathogenic for Breast-ovarian cancer, familial, susceptibility to, 2. Last evaluated: 2016-09-08. Review status: reviewed by expert panel. Criteria: ENIGMA BRCA1/2 Classification Criteria (2015). Collection method: curation. Allele origin: germline.
Comment: Variant allele predicted to encode a truncated non-functional protein.

Ambry Genetics
Classification: Pathogenic for Hereditary cancer-predisposing syndrome. Last evaluated: 2025-04-07. Review status: criteria provided, single submitter. Criteria: Ambry Variant Classification Scheme 2023. Collection method: clinical testing. Allele origin: germline. Not counted in ClinVar's aggregate classification.
Comment: The c.8988_8990delATAinsTT pathogenic mutation, located in coding exon 22 of the BRCA2 gene, results from the deletion of 3 nucleotides and insertion of two nucleotides at positions 8988 to 8990, causing a translational frameshift with a predicted alternate stop codon (p.L2996Ffs*5). This variant has been identified in individuals with a personal and/or family history suspicious for Hereditary Breast and Ovarian Cancer syndrome, including male patients with breast cancer (Jim&eacute;nez Ide J et al, Clin. Biochem. 2009 Oct;42:1572-6; Esteban Carde&ntilde;osa E et al. Breast Cancer Res Treat, 2010 May;121:257-60; de Juan Jim&eacute;nez I et al. Fam Cancer, 2013 Dec;12:767-77; de Juan I et al. Fam Cancer, 2015 Dec;14:505-13; Pajares B et al. BMC Cancer, 2018 Jun;18:647). Of note, this alteration is also designated as 9216_9218delATAinsTT in published literature. In addition to the clinical data presented in the literature, this alteration is expected to result in loss of function by premature protein truncation or nonsense-mediated mRNA decay. As such, this alteration is interpreted as a disease-causing mutation.

Quest Diagnostics Nichols Institute San Juan Capistrano
Classification: Pathogenic. Last evaluated: 2020-01-21. Review status: criteria provided, single submitter. Criteria: Quest Diagnostics criteria. Collection method: clinical testing. Allele origin: unknown. Not counted in ClinVar's aggregate classification.
Comment: This frameshift variant causes the premature termination of BRCA2 protein synthesis. In addition, it has been reported in a family affected with breast cancer in the published literature (PMID: 19616529 (2009)). Based on the available information, this variant is classified as pathogenic.

Genologica Medica
Classification: Pathogenic for Breast-ovarian cancer, familial, susceptibility to, 2. Last evaluated: 2017-01-01. Review status: criteria provided, single submitter. Criteria: ACMG Guidelines, 2015. Collection method: clinical testing. Allele origin: germline. Affected: yes. Not counted in ClinVar's aggregate classification.

Labcorp Genetics (formerly Invitae), Labcorp
Classification: Pathogenic for Hereditary breast ovarian cancer syndrome. Last evaluated: 2015-08-10. Review status: criteria provided, single submitter. Criteria: Invitae Variant Classification Sherloc (09022015). Collection method: clinical testing. Allele origin: germline. Not counted in ClinVar's aggregate classification.
Comment: This sequence change deletes 3 nucleotides and inserts 2 nucleotides in exon 23 of the BRCA2 mRNA (c.8988_2990delATAinsTT), causing a frameshift at codon 2996. This creates a premature translational stop signal (p.Leu2996Phefs*5) and is expected to result in an absent or disrupted protein product. Truncating variants in BRCA2 are known to be pathogenic. This particular truncation has been reported in the literature (PMID: 19616529). This variant is also known as c.9216_9218delATAinsTT in the literature. For these reasons, this variant has been classified as Pathogenic.

Literature cited by the submitters: PubMed 19616529 (cited by Ambry Genetics and Quest Diagnostics Nichols Institute San Juan Capistrano); PubMed 20033483 (cited by Ambry Genetics and Quest Diagnostics Nichols Institute San Juan Capistrano); PubMed 23479189 (cited by Ambry Genetics and Quest Diagnostics Nichols Institute San Juan Capistrano); PubMed 26026974 (cited by Ambry Genetics and Quest Diagnostics Nichols Institute San Juan Capistrano); PubMed 29884136 (cited by Ambry Genetics).